The following is an entry in ClinVar:

NM_024426.6(WT1):c.1121_1122insGGGG (p.Arg375fs)

Gene: WT1 (WT1 transcription factor; minus strand). Cytogenetic location: 11p13.
Variant type: Insertion.
Coding change: c.1121_1122insGGGG on transcript NM_024426.6 (MANE Select); coding-DNA positions 1121 to 1122, GGGG inserted.
Protein change: p.Arg375fs; shifts the reading frame from arginine 375.
Molecular consequence: frameshift variant. On other transcripts: 5 prime UTR variant (1), non-coding transcript variant (1).
Genome position: GRCh38 VCF-style: chr11-32396399-T-TCCCC. GRCh37 (hg19) VCF-style: chr11-32417945-T-TCCCC.
Other names: c.1070_1071insGGGG, p.Arg358fs (NM_000378.6); c.469_470insGGGG, p.Arg158Glyfs (NM_001198551.2); c.419_420insGGGG, p.Arg141fs (NM_001198552.2); c.-68_-67insGGGG (NM_001367854.1); c.1114_1115insGGGG, p.Arg373Glyfs (NM_001407044.1); c.1069_1070insGGGG, p.Arg358Glyfs (NM_001407045.1, NM_001407048.1, NM_001407049.1); c.1120_1121insGGGG, p.Arg375Glyfs (NM_001407046.1); c.997_998insGGGG, p.Arg334Glyfs (NM_001407047.1); and 4 more; short protein forms R141fs, R358fs, R375fs, R158fs.
Identifiers: ClinVar variation 1378543 (VCV001378543.7), dbSNP rs2132942163, ClinGen allele CA2573146217.

ClinVar aggregate classification (germline): Pathogenic (1 of 4 stars; one submission).

Conditions:
Wilms tumor 1 (WT1). Also called: Wilms tumor, somatic. Identifiers: Orphanet 654, MedGen CN033288, MONDO:0008679, OMIM 194070.
11p partial monosomy syndrome (WAGR). Also called: CHROMOSOME 11p13 DELETION SYNDROME; WAGR syndrome; WAGR Complex; WAGR Spectrum Disorder. Identifiers: Orphanet 893, MedGen C0206115, MONDO:0008681, OMIM 194072.
Frasier syndrome. Identifiers: Orphanet 347, MedGen C0950122, MeSH D052159, MONDO:0007635, OMIM 136680.
Drash syndrome (DDS). Also called: NEPHROPATHY, WILMS TUMOR, AND GENITAL ANOMALIES; WILMS TUMOR AND PSEUDO- OR TRUE HERMAPHRODITISM. Identifiers: Orphanet 220, MedGen C0950121, MONDO:0008682, OMIM 194080.

Submission:

Labcorp Genetics (formerly Invitae), Labcorp
Classification: Pathogenic for Wilms tumor 1; Drash syndrome; 11p partial monosomy syndrome; Frasier syndrome. Last evaluated: 2021-07-29. Review status: criteria provided, single submitter. Criteria: Invitae Variant Classification Sherloc (09022015). Collection method: clinical testing. Allele origin: germline.
Comment: For these reasons, this variant has been classified as Pathogenic. This variant has not been reported in the literature in individuals affected with WT1-related conditions. This variant is not present in population databases (ExAC no frequency). This sequence change creates a premature translational stop signal (p.Arg370Glyfs*16) in the WT1 gene. It is expected to result in an absent or disrupted protein product. Loss-of-function variants in WT1 are known to be pathogenic (PMID: 15150775).

Literature cited by the submitters: PubMed 15150775.